The following is an entry in ClinVar:

ClinVar aggregate classification (germline): Uncertain significance (1 of 4 stars; one submission).

Submission:

Labcorp Genetics (formerly Invitae), Labcorp
Classification: Uncertain significance. Last evaluated: 2021-12-17. Review status: criteria provided, single submitter. Criteria: Invitae Variant Classification Sherloc (09022015). Collection method: clinical testing. Allele origin: germline.
Comment: This sequence change replaces glutamic acid, which is acidic and polar, with lysine, which is basic and polar, at codon 260 of the NBAS protein (p.Glu260Lys). This variant is not present in population databases (gnomAD no frequency). This variant has not been reported in the literature in individuals affected with NBAS-related conditions. Algorithms developed to predict the effect of missense changes on protein structure and function are either unavailable or do not agree on the potential impact of this missense change (SIFT: "Deleterious"; PolyPhen-2: "Benign"; Align-GVGD: "Class C55"). In summary, the available evidence is currently insufficient to determine the role of this variant in disease. Therefore, it has been classified as a Variant of Uncertain Significance.

NM_015909.4(NBAS):c.778G>A (p.Glu260Lys)

Gene: NBAS (NBAS subunit of NRZ tethering complex; minus strand). Cytogenetic location: 2p24.3.
Variant type: single nucleotide variant.
Coding change: c.778G>A on transcript NM_015909.4 (MANE Select); coding-DNA position 778, G replaced by A.
Protein change: p.Glu260Lys; replaces glutamic acid 260 with lysine.
Molecular consequence: missense variant. On other transcripts: non-coding transcript variant (1).
Genome position (GRCh38, 1-based): chr2:15,511,319, C>T on the plus strand (G>A on the coding strand, the complement: NBAS is on the minus strand). VCF-style: chr2-15511319-C-T. GRCh37 (hg19) VCF-style: chr2-15651443-C-T.
Other names: short protein forms E260K.
Identifiers: ClinVar variation 2045349 (VCV002045349.1), dbSNP rs2148648449, ClinGen allele CA345898637.
Genomic context (GRCh38, chr2:15,511,319, plus strand): 5'-ATCCTGAAAGAACTCTCCAGGCAGAAAGGCCACAGCTAGAAGCTTTTGACATGCCTACTT[C>T]AGCAGTTTCACATCCACCAACAAGTAAAAGTCTAAAAAGGAGAAAATTTTTAAAAATCGA-3'
Protein context (NP_056993.2, residues 250-270): LLLVGGCETA[Glu260Lys]VGMSKASSCG